The following is an entry in ClinVar:

ClinVar aggregate classification (germline): Uncertain significance. Review status: criteria provided, multiple submitters, no conflicts (2 of 4 stars). 2 submissions from 2 submitters: Uncertain significance (2). Last evaluated 2024-10-07.

Conditions:
Brugada syndrome. Also called: Sudden unexplained nocturnal death syndrome; Sudden Unexplained Death Syndrome; Sudden Unexplained Nocturnal Death Syndrome (SUNDS); Sudden unexpected nocturnal death syndrome. Identifiers: Orphanet 130, MedGen C1142166, MONDO:0015263.
Cardiovascular phenotype. Identifiers: MedGen CN230736.

Submissions (2):

Ambry Genetics
Classification: Uncertain significance for Cardiovascular phenotype. Last evaluated: 2024-10-07. Review status: criteria provided, single submitter. Criteria: Ambry Variant Classification Scheme 2023. Collection method: clinical testing. Allele origin: germline.
Comment: The p.A856T variant (also known as c.2566G>A), located in coding exon 15 of the SCN10A gene, results from a G to A substitution at nucleotide position 2566. The alanine at codon 856 is replaced by threonine, an amino acid with similar properties. This amino acid position is conserved. In addition, this alteration is predicted to be tolerated by in silico analysis. Based on the available evidence, the clinical significance of this variant remains unclear.

Labcorp Genetics (formerly Invitae), Labcorp
Classification: Uncertain significance for Brugada syndrome. Last evaluated: 2024-09-23. Review status: criteria provided, single submitter. Criteria: Invitae Variant Classification Sherloc (09022015). Collection method: clinical testing. Allele origin: germline.
Comment: This sequence change replaces alanine, which is neutral and non-polar, with threonine, which is neutral and polar, at codon 856 of the SCN10A protein (p.Ala856Thr). This variant is present in population databases (rs777353402, gnomAD 0.01%). This variant has not been reported in the literature in individuals affected with SCN10A-related conditions. An algorithm developed to predict the effect of missense changes on protein structure and function outputs the following: PolyPhen-2: "Benign". The threonine amino acid residue is found in multiple mammalian species, which suggests that this missense change does not adversely affect protein function. In summary, the available evidence is currently insufficient to determine the role of this variant in disease. Therefore, it has been classified as a Variant of Uncertain Significance.

NM_006514.4(SCN10A):c.2566G>A (p.Ala856Thr)

Gene: SCN10A (sodium voltage-gated channel alpha subunit 10; minus strand). Cytogenetic location: 3p22.2.
Variant type: single nucleotide variant.
Coding change: c.2566G>A on transcript NM_006514.4 (MANE Select); coding-DNA position 2566, G replaced by A.
Protein change: p.Ala856Thr; replaces alanine 856 with threonine.
Molecular consequence: missense variant.
Genome position (GRCh38, 1-based): chr3:38,728,616, C>T on the plus strand (G>A on the coding strand, the complement: SCN10A is on the minus strand). VCF-style: chr3-38728616-C-T. GRCh37 (hg19) VCF-style: chr3-38770107-C-T.
Other names: c.2566G>A, p.Ala856Thr (NM_001293306.2); c.2272G>A, p.Ala758Thr (NM_001293307.2); short protein forms A758T, A856T.
Identifiers: ClinVar variation 3438123 (VCV003438123.3).